The following is an entry in ClinVar:

NM_024529.5(CDC73):c.483dup (p.Glu162fs)

Gene: CDC73 (cell division cycle 73; plus strand). Cytogenetic location: 1q31.2.
Variant type: Duplication.
Coding change: c.483dup on transcript NM_024529.5 (MANE Select); coding-DNA position 483, one base duplicated (A; older notation c.483dupA).
Protein change: p.Glu162fs; shifts the reading frame from glutamic acid 162.
Molecular consequence: frameshift variant.
Genome position (GRCh38, 1-based): chr1:193,138,144, A duplicated; the last of 3 consecutive A bases (chr1:193,138,142-193,138,144); duplicating any one gives the same sequence. VCF-style (leftmost placement, unchanged base first): chr1-193138141-C-CA. GRCh37 (hg19) VCF-style: chr1-193107271-C-CA.
Other names: c.483dupA (NM_024529.4); short protein forms E162fs.
Identifiers: ClinVar variation 531648 (VCV000531648.7), dbSNP rs1553279085, ClinGen allele CA658795575.

ClinVar aggregate classification (germline): Pathogenic (1 of 4 stars; one submission).

Conditions:
Parathyroid carcinoma (PRTC). Also called: CDC73-Related Parathyroid Carcinoma; Parathyroid gland carcinoma. Identifiers: Orphanet 143, MedGen C0687150, MONDO:0012004, OMIM 608266, HP:0006780.

Submission:

Labcorp Genetics (formerly Invitae), Labcorp
Classification: Pathogenic for Parathyroid carcinoma. Last evaluated: 2017-08-02. Review status: criteria provided, single submitter. Criteria: Invitae Variant Classification Sherloc (09022015). Collection method: clinical testing. Allele origin: germline.
Comment: This sequence change creates a premature translational stop signal (p.Glu162Argfs*7) in the CDC73 gene. It is expected to result in an absent or disrupted protein product. This variant is not present in population databases (ExAC no frequency). This variant has not been reported in the literature in individuals with CDC73-related disease. Loss-of-function variants in CDC73 are known to be pathogenic (PMID: 12434154). For these reasons, this variant has been classified as Pathogenic.

Literature cited by the submitters: PubMed 12434154.